The following is an entry in ClinVar:

ClinVar aggregate classification (germline): Uncertain significance. Review status: criteria provided, multiple submitters, no conflicts (2 of 4 stars). 2 submissions from 2 submitters: Uncertain significance (2). Last evaluated 2025-09-07.

Conditions:
Inborn genetic diseases. Identifiers: MedGen C0950123, MeSH D030342.

Submissions (2):

Ambry Genetics
Classification: Uncertain significance for Inborn genetic diseases. Last evaluated: 2025-09-07. Review status: criteria provided, single submitter. Criteria: Ambry Variant Classification Scheme 2023. Collection method: clinical testing. Allele origin: germline.
Comment: The p.T1304A variant (also known as c.3910A>G), located in coding exon 1 of the SAMD9L gene, results from an A to G substitution at nucleotide position 3910. The threonine at codon 1304 is replaced by alanine, an amino acid with similar properties. This amino acid position is conserved. In addition, this alteration is predicted to be tolerated by in silico analysis. Based on the available evidence, the clinical significance of this variant remains unclear.

Labcorp Genetics (formerly Invitae), Labcorp
Classification: Uncertain significance. Last evaluated: 2023-10-13. Review status: criteria provided, single submitter. Criteria: Invitae Variant Classification Sherloc (09022015). Collection method: clinical testing. Allele origin: germline.
Comment: This sequence change replaces threonine, which is neutral and polar, with alanine, which is neutral and non-polar, at codon 1304 of the SAMD9L protein (p.Thr1304Ala). This variant is not present in population databases (gnomAD no frequency). This variant has not been reported in the literature in individuals affected with SAMD9L-related conditions. Advanced modeling of protein sequence and biophysical properties (such as structural, functional, and spatial information, amino acid conservation, physicochemical variation, residue mobility, and thermodynamic stability) performed at Invitae indicates that this missense variant is not expected to disrupt SAMD9L protein function. In summary, the available evidence is currently insufficient to determine the role of this variant in disease. Therefore, it has been classified as a Variant of Uncertain Significance.

NM_152703.5(SAMD9L):c.3910A>G (p.Thr1304Ala)

Gene: SAMD9L (sterile alpha motif domain containing 9 like; minus strand). Cytogenetic location: 7q21.2.
Variant type: single nucleotide variant.
Coding change: c.3910A>G on transcript NM_152703.5 (MANE Select); coding-DNA position 3910, A replaced by G.
Protein change: p.Thr1304Ala; replaces threonine 1304 with alanine.
Molecular consequence: missense variant.
Genome position (GRCh38, 1-based): chr7:93,132,062, T>C on the plus strand (A>G on the coding strand, the complement: SAMD9L is on the minus strand). VCF-style: chr7-93132062-T-C. GRCh37 (hg19) VCF-style: chr7-92761375-T-C.
Other names: c.3910A>G, p.Thr1304Ala (NM_001303496.3, NM_001303497.3, NM_001303498.3 and 5 more transcripts); c.3910A>G (NM_152703.2); short protein forms T1304A.
Identifiers: ClinVar variation 2795150 (VCV002795150.4), dbSNP rs2535408024, ClinGen allele CA368179041.